The following is an entry in ClinVar:

NM_005912.3(MC4R):c.598A>G (p.Met200Val)

Gene: MC4R (melanocortin 4 receptor; minus strand). Cytogenetic location: 18q21.32.
Variant type: single nucleotide variant.
Coding change: c.598A>G on transcript NM_005912.3 (MANE Select); coding-DNA position 598, A replaced by G.
Protein change: p.Met200Val; replaces methionine 200 with valine.
Molecular consequence: missense variant.
Genome position (GRCh38, 1-based): chr18:60,371,752, T>C on the plus strand (A>G on the coding strand, the complement: MC4R is on the minus strand). VCF-style: chr18-60371752-T-C. GRCh37 (hg19) VCF-style: chr18-58038985-T-C.
Other names: short protein forms M200V.
Identifiers: ClinVar variation 3355219 (VCV003355219.1).

ClinVar aggregate classification (germline): Uncertain significance (0 of 4 stars; one submission).

Conditions:
MC4R-related disorder. Also called: MC4R-related condition.

gnomAD v4.1: 47 of 1,613,960 alleles (0.0029%); highest among the groups gnomAD compares: Middle Eastern, 0.082%; no homozygotes.

Submission:

PreventionGenetics, part of Exact Sciences
Classification: Uncertain significance for MC4R-related condition. Last evaluated: 2024-07-12. Review status: no assertion criteria provided. Collection method: clinical testing. Allele origin: germline.
Comment: The MC4R c.598A>G variant is predicted to result in the amino acid substitution p.Met200Val. This variant was reported in multiple individuals with obesity (Branson. 2003. PubMed ID: 12646666; Hinney. 2006. PubMed ID: 16492696; Melchior. 2012. PubMed ID: 23146882; Stutzmann. 2008. PubMed ID: 18559663). However, the majority of in vitro functional studies indicate this variant has similar receptor function to wildtype (He. 2014. PubMed ID: 25332687; Hinney. 2006. PubMed ID: 16492696; Melchior. 2012. PubMed ID: 23146882; Mühlhaus. 2012. PubMed ID: 22688572; Stutzmann. 2008. PubMed ID: 18559663; Tao. 2005. PubMed ID: 16030156). This variant is reported in 0.0035% of alleles in individuals of European (Non-Finnish) descent in gnomAD. At this time, the clinical significance of this variant is uncertain due to the absence of conclusive functional and genetic evidence.